The following is an entry in ClinVar:

ClinVar aggregate classification (germline): Uncertain significance (1 of 4 stars; one submission).

Conditions:
Severe myoclonic epilepsy in infancy (DRVT). Also called: SEVERE MYOCLONIC EPILEPSY OF INFANCY; DEVELOPMENTAL AND EPILEPTIC ENCEPHALOPATHY 6A; Severe Myoclonic Epilepsy in Infancy (SMEI); Dravet syndrome; Epileptic encephalopathy, early infantile, 6 (Dravet syndrome). Identifiers: Orphanet 33069, MedGen C0751122, MONDO:0100135, OMIM 607208.

Allele frequency attached by ClinVar (database versions not stated): TOPMed below 0.00001; gnomAD 0.00001.
gnomAD v4.1: 1 of 1,425,756 alleles (0.00007%); highest among the groups gnomAD compares: Admixed American, 0.0032%; no homozygotes.

Submission:

Labcorp Genetics (formerly Invitae), Labcorp
Classification: Uncertain significance for Severe myoclonic epilepsy in infancy. Last evaluated: 2021-09-02. Review status: criteria provided, single submitter. Criteria: Invitae Variant Classification Sherloc (09022015). Collection method: clinical testing. Allele origin: germline.
Comment: This sequence change replaces glycine with alanine at codon 88 of the SNX27 protein (p.Gly88Ala). The glycine residue is moderately conserved and there is a small physicochemical difference between glycine and alanine. This variant is not present in population databases (ExAC no frequency). This variant has not been reported in the literature in individuals affected with SNX27-related conditions. Algorithms developed to predict the effect of missense changes on protein structure and function are either unavailable or do not agree on the potential impact of this missense change (SIFT: "Deleterious"; PolyPhen-2: "Probably Damaging"; Align-GVGD: "Class C0"). In summary, the available evidence is currently insufficient to determine the role of this variant in disease. Therefore, it has been classified as a Variant of Uncertain Significance.

NM_001330723.2(SNX27):c.263G>C (p.Gly88Ala)

Gene: SNX27 (sorting nexin 27; plus strand). Cytogenetic location: 1q21.3.
Variant type: single nucleotide variant.
Coding change: c.263G>C on transcript NM_001330723.2 (MANE Select); coding-DNA position 263, G replaced by C.
Protein change: p.Gly88Ala; replaces glycine 88 with alanine.
Molecular consequence: missense variant.
Genome position (GRCh38, 1-based): chr1:151,612,464, G>C. VCF-style: chr1-151612464-G-C. GRCh37 (hg19) VCF-style: chr1-151584940-G-C.
Other names: c.263G>C, p.Gly88Ala (NM_030918.6); short protein forms G88A.
Identifiers: ClinVar variation 849184 (VCV000849184.7), dbSNP rs1231812552, ClinGen allele CA341974587.
Genomic context (GRCh38, chr1:151,612,464, plus strand): 5'-GGAGCATCAACGGGGAGCTGTACGCGCCGCTGCAGCATGTGAGCGCCGTGCTGCCCGGGG[G>C]GGCGGCCGATCGGGCCGGGGTGCGCAAGGGGGACCGCATCCTGGAGGTGTGAGTATCGGG-3'
Protein context (NP_001317652.1, residues 78-98): LQHVSAVLPG[Gly88Ala]AADRAGVRKG